The following is an entry in ClinVar:

NM_004519.4(KCNQ3):c.122_154del (p.Arg41_Glu51del)

Gene: KCNQ3 (potassium voltage-gated channel subfamily Q member 3; minus strand). Cytogenetic location: 8q24.22.
Variant type: Deletion.
Coding change: c.122_154del on transcript NM_004519.4 (MANE Select); coding-DNA positions 122 to 154, 33 bases deleted.
Protein change: p.Arg41_Glu51del.
Molecular consequence: inframe deletion.
Genome position (GRCh38, 1-based): chr8:132,480,379-132,480,411, 33 bases deleted; deleting any 33 consecutive bases within chr8:132,480,379-132,480,416 gives the same sequence; the c. name uses the placement nearest the transcript's 3' end. GRCh37 (hg19): chr8:133,492,631-133,492,663.
Identifiers: ClinVar variation 5037354 (VCV005037354.1).

ClinVar aggregate classification (germline): Uncertain significance (1 of 4 stars; one submission).

Submission:

GeneDx
Classification: Uncertain significance. Last evaluated: 2026-04-21. Review status: criteria provided, single submitter. Criteria: GeneDx Variant Classification Process June 2021. Collection method: clinical testing. Allele origin: germline.
Comment: Not observed at significant frequency in large population cohorts (gnomAD); In-frame deletion of 11 amino acid(s) in a non-repeat region; In silico analysis supports a deleterious effect on protein structure/function; Has not been previously published as pathogenic or benign to our knowledge